The following is an entry in ClinVar:

ClinVar aggregate classification (germline): Uncertain significance. Review status: criteria provided, multiple submitters, no conflicts (2 of 4 stars). 2 submissions from 2 submitters: Uncertain significance (2). Last evaluated 2023-04-17.

Conditions:
Primary ciliary dyskinesia. Also called: Ciliary dyskinesia. Identifiers: Orphanet 244, MedGen C0008780, MONDO:0016575, HP:0012265.
RSPH4A-related disorder. Also called: RSPH4A-related condition.

gnomAD v4.1: 182 of 1,612,776 alleles (0.011%); highest among the groups gnomAD compares: Non-Finnish European, 0.015%; no homozygotes.

Submissions (2):

PreventionGenetics, part of Exact Sciences
Classification: Uncertain significance for RSPH4A-related condition. Last evaluated: 2023-04-17. Review status: criteria provided, single submitter. Criteria: ACMG Guidelines, 2015. Collection method: clinical testing. Allele origin: germline.
Comment: The RSPH4A c.1641T>G variant is predicted to result in the amino acid substitution p.His547Gln. To our knowledge, this variant has not been reported in the literature. This variant is reported in 0.0037% of alleles in individuals of European (Non-Finnish) descent in gnomAD. At this time, the clinical significance of this variant is uncertain due to the absence of conclusive functional and genetic evidence.

Labcorp Genetics (formerly Invitae), Labcorp
Classification: Uncertain significance for Primary ciliary dyskinesia. Last evaluated: 2021-12-12. Review status: criteria provided, single submitter. Criteria: Invitae Variant Classification Sherloc (09022015). Collection method: clinical testing. Allele origin: germline.
Comment: This sequence change replaces histidine, which is basic and polar, with glutamine, which is neutral and polar, at codon 547 of the RSPH4A protein (p.His547Gln). This variant is present in population databases (rs201238941, gnomAD 0.004%). This variant has not been reported in the literature in individuals affected with RSPH4A-related conditions. Algorithms developed to predict the effect of missense changes on protein structure and function are either unavailable or do not agree on the potential impact of this missense change (SIFT: "Tolerated"; PolyPhen-2: "Probably Damaging"; Align-GVGD: "Class C0"). Algorithms developed to predict the effect of sequence changes on RNA splicing suggest that this variant may create or strengthen a splice site. In summary, the available evidence is currently insufficient to determine the role of this variant in disease. Therefore, it has been classified as a Variant of Uncertain Significance.

NM_001010892.3(RSPH4A):c.1641T>G (p.His547Gln)

Gene: RSPH4A (radial spoke head component 4A; plus strand). Cytogenetic location: 6q22.1.
Variant type: single nucleotide variant.
Coding change: c.1641T>G on transcript NM_001010892.3 (MANE Select); coding-DNA position 1641, T replaced by G.
Protein change: p.His547Gln; replaces histidine 547 with glutamine.
Molecular consequence: missense variant.
Genome position (GRCh38, 1-based): chr6:116,628,348, T>G. VCF-style: chr6-116628348-T-G. GRCh37 (hg19) VCF-style: chr6-116949511-T-G.
Other names: c.1641T>G (NM_001010892.2); c.1641T>G, p.His547Gln (NM_001161664.2); short protein forms H547Q.
Identifiers: ClinVar variation 1493793 (VCV001493793.9), dbSNP rs201238941, ClinGen allele CA3970988.